The following is an entry in ClinVar:

ClinVar aggregate classification (germline): Uncertain significance (1 of 4 stars; one submission).

Conditions:
Hereditary cancer-predisposing syndrome. Also called: Tumor predisposition; Neoplastic Syndromes, Hereditary; Hereditary neoplastic syndrome; Hereditary Cancer Syndrome. Identifiers: Orphanet 140162, MedGen C0027672, MeSH D009386, MONDO:0015356.

Submission:

Ambry Genetics
Classification: Uncertain significance for Hereditary cancer-predisposing syndrome. Last evaluated: 2025-08-27. Review status: criteria provided, single submitter. Criteria: Ambry Variant Classification Scheme 2023. Collection method: clinical testing. Allele origin: germline.
Comment: The p.G507V variant (also known as c.1520G>T), located in coding exon 16 of the MUTYH gene, results from a G to T substitution at nucleotide position 1520. The glycine at codon 507 is replaced by valine, an amino acid with dissimilar properties. This amino acid position is conserved. In addition, this alteration is predicted to be tolerated by in silico analysis. Based on the available evidence, the clinical significance of this variant remains unclear.

NM_001048174.2(MUTYH):c.1436G>T (p.Gly479Val)

Gene: MUTYH (mutY DNA glycosylase; minus strand). Cytogenetic location: 1p34.1.
Variant type: single nucleotide variant.
Coding change: c.1436G>T on transcript NM_001048174.2 (MANE Select); coding-DNA position 1436, G replaced by T.
Protein change: p.Gly479Val; replaces glycine 479 with valine.
Molecular consequence: missense variant. On other transcripts: non-coding transcript variant (7).
Genome position (GRCh38, 1-based): chr1:45,329,436, C>A on the plus strand (G>T on the coding strand, the complement: MUTYH is on the minus strand). VCF-style: chr1-45329436-C-A. GRCh37 (hg19) VCF-style: chr1-45795108-C-A.
Other names: c.1478G>T, p.Gly493Val (NM_001407085.1, NM_001407083.1); c.1439G>T, p.Gly480Val (NM_001407086.1, NM_001407078.1, NM_001048172.2 and 1 more transcripts); c.1457G>T, p.Gly486Val (NM_001407087.1); c.1436G>T, p.Gly479Val (NM_001407088.1, NM_001407089.1, NM_001407081.1 and 6 more transcripts); c.1160G>T, p.Gly387Val (NM_001407091.1, NM_001293192.2, NM_001293196.2); c.1511G>T, p.Gly504Val (NM_012222.3); c.1469G>T, p.Gly490Val (NM_001407077.1, NM_001293191.2, NM_001407069.1); c.1397G>T, p.Gly466Val (NM_001407079.1); and 5 more; short protein forms G479V, G451V, G494V, G504V, G507V, G387V, G466V, G486V.
Identifiers: ClinVar variation 4113320 (VCV004113320.1).